The following is an entry in ClinVar:

NM_004316.4(ASCL1):c.138A>C (p.Ala46=)

Genes: ASCL1 (achaete-scute family bHLH transcription factor 1; plus strand), PAH (phenylalanine hydroxylase; minus strand). Cytogenetic location: 12q23.2.
Variant type: single nucleotide variant.
Coding change: c.138A>C on transcript NM_004316.4 (MANE Select); coding-DNA position 138, A replaced by C.
Protein change: p.Ala46=; no amino-acid change (alanine 46 retained).
Molecular consequence: synonymous variant. On other transcripts: 5 prime UTR variant (1).
Genome position (GRCh38, 1-based): chr12:102,958,382, A>C. VCF-style: chr12-102958382-A-C. GRCh37 (hg19) VCF-style: chr12-103352160-A-C.
Other names: c.-283T>G (NM_001354304.2).
Identifiers: ClinVar variation 4997620 (VCV004997620.1).
Genomic context (GRCh38, chr12:102,958,382, plus strand): 5'-GCCCGCAGCCTGTTTCTTTGCCACGGCCGCAGCCGCGGCGGCCGCAGCCGCCGCAGCGGC[A>C]GCGCAGAGCGCGCAGCAGCAGCAGCAGCAGCAGCAGCAGCAGCAGCAGGCGCCGCAGCTG-3'
Protein context (NP_004307.2, residues 36-56): AAAAAAAAAA[Ala46=]AQSAQQQQQQ

ClinVar aggregate classification (germline): Likely benign (1 of 4 stars; one submission).

Conditions:
ASCL1-related disorder. Also called: ASCL1-related condition.

gnomAD v4.1: 2 of 1,470,864 alleles (0.00014%); highest among the groups gnomAD compares: Non-Finnish European, 0.00018%; no homozygotes.

Submission:

PreventionGenetics, part of Exact Sciences
Classification: Likely benign for ASCL1-related condition. Last evaluated: 2024-10-31. Review status: criteria provided, single submitter. Criteria: ACMG Guidelines, 2015. Collection method: clinical testing. Allele origin: germline.
Comment: This variant is classified as likely benign based on ACMG/AMP sequence variant interpretation guidelines (Richards et al. 2015 PMID: 25741868, with internal and published modifications).